The following is an entry in ClinVar:

NM_152564.5(VPS13B):c.2473G>A (p.Ala825Thr)

Gene: VPS13B (vacuolar protein sorting 13 homolog B; plus strand). Cytogenetic location: 8q22.2.
Variant type: single nucleotide variant.
Coding change: c.2473G>A on transcript NM_152564.5 (MANE Select); coding-DNA position 2473, G replaced by A.
Protein change: p.Ala825Thr; replaces alanine 825 with threonine.
Molecular consequence: missense variant.
Genome position (GRCh38, 1-based): chr8:99,193,015, G>A. VCF-style: chr8-99193015-G-A. GRCh37 (hg19) VCF-style: chr8-100205243-G-A.
Other names: c.2473G>A, p.Ala825Thr (NM_015243.3, NM_017890.5); short protein forms A825T.
Identifiers: ClinVar variation 194773 (VCV000194773.29), dbSNP rs148788159, ClinGen allele CA240935.

ClinVar aggregate classification (germline): Uncertain significance. Review status: criteria provided, multiple submitters, no conflicts (2 of 4 stars). 12 submissions from 12 submitters: Uncertain significance (10). 2 of the submissions do not count toward it. Last evaluated 2025-01-06.

Conditions:
VPS13B-related disorder. Also called: VPS13B-related condition.
Inborn genetic diseases. Identifiers: MedGen C0950123, MeSH D030342.
Cohen syndrome (COH1). Also called: Cutis verticis gyrata, retinitis pigmentosa, and sensorineural deafness; PEPPER SYNDROME. Identifiers: Orphanet 193, MedGen C0265223, MONDO:0008999, OMIM 216550.

Allele frequency attached by ClinVar (database versions not stated): gnomAD 0.00005; TOPMed 0.00010; gnomAD exomes 0.00011; ExAC 0.00014; ESP Exome Variant Server 0.00023.
gnomAD v4.1: 151 of 1,613,664 alleles (0.0094%); highest among the groups gnomAD compares: Middle Eastern, 0.59%; 1 homozygote.

Submissions (12):

Labcorp Genetics (formerly Invitae), Labcorp
Classification: Uncertain significance for Cohen syndrome. Last evaluated: 2025-01-06. Review status: criteria provided, single submitter. Criteria: Invitae Variant Classification Sherloc (09022015). Collection method: clinical testing. Allele origin: germline.
Comment: This sequence change replaces alanine, which is neutral and non-polar, with threonine, which is neutral and polar, at codon 825 of the VPS13B protein (p.Ala825Thr). This variant is present in population databases (rs148788159, gnomAD 0.02%). This variant has not been reported in the literature in individuals affected with VPS13B-related conditions. ClinVar contains an entry for this variant (Variation ID: 194773). Invitae Evidence Modeling of protein sequence and biophysical properties (such as structural, functional, and spatial information, amino acid conservation, physicochemical variation, residue mobility, and thermodynamic stability) indicates that this missense variant is not expected to disrupt VPS13B protein function with a negative predictive value of 80%. In summary, the available evidence is currently insufficient to determine the role of this variant in disease. Therefore, it has been classified as a Variant of Uncertain Significance.

Blueprint Genetics
Classification: Uncertain significance. Last evaluated: 2024-11-25. Review status: criteria provided, single submitter. Criteria: ACMG Guidelines, 2015. Collection method: clinical testing. Allele origin: germline.

GeneDx
Classification: Uncertain significance. Last evaluated: 2023-09-21. Review status: criteria provided, single submitter. Criteria: GeneDx Variant Classification Process June 2021. Collection method: clinical testing. Allele origin: germline. Affected: yes.
Comment: In silico analysis supports that this missense variant does not alter protein structure/function; Has not been previously published as pathogenic or benign to our knowledge

Ambry Genetics
Classification: Uncertain significance for Inborn genetic diseases. Last evaluated: 2022-03-28. Review status: criteria provided, single submitter. Criteria: Ambry Variant Classification Scheme 2023. Collection method: clinical testing. Allele origin: germline.

New York Genome Center
Classification: Uncertain significance for Cohen syndrome. Last evaluated: 2021-11-03. Review status: criteria provided, single submitter. Criteria: NYGC Assertion Criteria 2020. Collection method: clinical testing. Allele origin: germline. Observed: 1 heterozygote.

Fulgent Genetics
Classification: Uncertain significance for Cohen syndrome. Last evaluated: 2021-08-18. Review status: criteria provided, single submitter. Criteria: ACMG Guidelines, 2015. Collection method: clinical testing. Allele origin: unknown.

Illumina Laboratory Services, Illumina
Classification: Uncertain significance for Cohen syndrome. Last evaluated: 2018-01-13. Review status: criteria provided, single submitter. Criteria: ICSL Variant Classification Criteria 13 December 2019. Collection method: clinical testing. Allele origin: germline.

Genetic Services Laboratory, University of Chicago
Classification: Uncertain significance. Last evaluated: 2016-02-26. Review status: criteria provided, single submitter. Criteria: ACMG Guidelines, 2015. Collection method: clinical testing. Allele origin: germline. Affected: no.

Eurofins Ntd Llc (ga)
Classification: Uncertain significance. Last evaluated: 2015-05-05. Review status: criteria provided, single submitter. Criteria: EGL Classification Definitions 2015. Collection method: clinical testing. Allele origin: germline. Observed: 1 variant allele, 1 heterozygote.

Breakthrough Genomics
Classification: Uncertain significance. Review status: criteria provided, single submitter. Criteria: ACMG Guidelines, 2015. Collection method: not provided. Allele origin: germline. Inheritance: Autosomal recessive inheritance. Affected: yes.

PreventionGenetics, part of Exact Sciences
Classification: Uncertain significance for VPS13B-related condition. Last evaluated: 2024-04-25. Review status: no assertion criteria provided. Collection method: clinical testing. Allele origin: germline. Not counted in ClinVar's aggregate classification.
Comment: The VPS13B c.2473G>A variant is predicted to result in the amino acid substitution p.Ala825Thr. To our knowledge, this variant has not been reported in the literature. This variant is reported in 0.024% of alleles in individuals of African descent in gnomAD. At this time, the clinical significance of this variant is uncertain due to the absence of conclusive functional and genetic evidence.

Natera, Inc.
Classification: Uncertain significance for Cohen syndrome. Last evaluated: 2020-01-12. Review status: no assertion criteria provided. Collection method: clinical testing. Allele origin: germline. Not counted in ClinVar's aggregate classification.